The following is an entry in ClinVar:

GRCh37/hg19 1p31.1-22.2(chr1:76492334-91166951)x1

Genes: ADGRL2 (adhesion G protein-coupled receptor L2; plus strand), ADGRL4 (adhesion G protein-coupled receptor L4; minus strand), AK5 (adenylate kinase 5; plus strand), BCL10 (BCL10 immune signaling adaptor; minus strand), C1orf52 (chromosome 1 open reading frame 52; minus strand) and 55 more. Cytogenetic location: 1p31.1-22.2.
Variant type: copy number loss.
Change: copy number 1 (one copy instead of two) of chr1:76,492,334-91,166,951 (14.67 Mb, GRCh37 coordinates, 1-based), cytogenetic band 1p31.1-22.2.
Identifiers: ClinVar variation 3391870 (VCV003391870.1).

ClinVar aggregate classification (germline): Pathogenic (1 of 4 stars; one submission).

Submission:

Quest Diagnostics Nichols Institute San Juan Capistrano
Classification: Pathogenic. Last evaluated: 2023-11-22. Review status: criteria provided, single submitter. Criteria: ACMG/ClinGen CNV Guidelines, 2019. Collection method: clinical testing. Allele origin: unknown.
Comment: Heterozygous deletions overlapping the current interval have been reported in individuals with variable phenotypes (Callier 2008, Jabbari 2018, Lesurf 2022, Maegawa 2008, Serra 2022, Syrmou 2013). There are no similar copy number losses of this region in the general populations of the Database of Genomic Variants. Thus, based on gene count and current medical literature, this copy number variant (CNV) is classified as pathogenic. References: Callier et al., Am J Med Genet A. 2008 Aug 15;146A(16):2109-15. PMID: 18629884; Jabbari et al., PLoS One. 2018 Aug 27;13(8):e0202022. PMID: 30148849; Lesurf et al., NPJ Genom Med. 2022 Mar 14;7(1):18. PMID: 35288587; Maegawa et al., Am J Med Genet A. 2008 Jun 15;146A(12):1581-6. PMID: 18478588; Serra et al., Ital J Pediatr. 2022 Mar 4;48(1):38. PMID: 35246213; Syrmou et al., Pediatr Res. 2013 Jun;73(6):772-6. PMID: 23481551